The following is an entry in ClinVar:

NM_007129.5(ZIC2):c.323A>T (p.Tyr108Phe)

Gene: ZIC2 (Zic family member 2; plus strand). Cytogenetic location: 13q32.3.
Variant type: single nucleotide variant.
Coding change: c.323A>T on transcript NM_007129.5 (MANE Select); coding-DNA position 323, A replaced by T.
Protein change: p.Tyr108Phe; replaces tyrosine 108 with phenylalanine.
Molecular consequence: missense variant.
Genome position (GRCh38, 1-based): chr13:99,982,387, A>T. VCF-style: chr13-99982387-A-T. GRCh37 (hg19) VCF-style: chr13-100634641-A-T.
Other names: short protein forms Y108F.
Identifiers: ClinVar variation 2501364 (VCV002501364.1), dbSNP rs2053239270, ClinGen allele CA388637029.

ClinVar aggregate classification (germline): Uncertain significance (1 of 4 stars; one submission).

Submission:

GeneDx
Classification: Uncertain significance. Last evaluated: 2022-11-02. Review status: criteria provided, single submitter. Criteria: GeneDx Variant Classification Process June 2021. Collection method: clinical testing. Allele origin: germline. Affected: yes.
Comment: Not observed at significant frequency in large population cohorts (gnomAD); In silico analysis supports that this missense variant does not alter protein structure/function; Has not been previously published as pathogenic or benign to our knowledge